The following is an entry in ClinVar:

NM_019892.6(INPP5E):c.1761_1763dup (p.Tyr588Ter)

Gene: INPP5E (inositol polyphosphate-5-phosphatase E; minus strand). Cytogenetic location: 9q34.3.
Variant type: Duplication.
Coding change: c.1761_1763dup on transcript NM_019892.6 (MANE Select); coding-DNA positions 1761 to 1763, 3 bases duplicated (GTA; older notation c.1761_1763dupGTA).
Protein change: p.Tyr588Ter; replaces tyrosine 588 with a stop codon.
Molecular consequence: nonsense.
Genome position (GRCh38, 1-based): chr9:136,430,316-136,430,318, TAC duplicated on the plus strand (GTA on the coding strand, the reverse complement: INPP5E is on the minus strand). VCF-style (leftmost placement, unchanged base first): chr9-136430315-A-ATAC. GRCh37 (hg19) VCF-style: chr9-139324767-A-ATAC.
Other names: c.1758_1760dup, p.Tyr587Ter (NM_001318502.2); short protein forms Y587*, Y588*.
Identifiers: ClinVar variation 2048453 (VCV002048453.4), dbSNP rs2538870740, ClinGen allele CA2580080898.
Genomic context (GRCh38, chr9:136,430,315, plus strand): 5'-AGGTGAGCGGGAGAACACTGACTTGTCTCGCCCCGGCCTCACTTTCACCCGGAAGAGGCC[A>ATAC]TACACAGGGCGGTGGTCGGACGTCTTGATCCCGGGGCAGGAAGAGTAGCTCACAGGACAG-3'

ClinVar aggregate classification (germline): Pathogenic (1 of 4 stars; one submission).

Conditions:
Joubert syndrome. Also called: CEREBELLOPARENCHYMAL DISORDER IV; JOUBERT-BOLTSHAUSER SYNDROME; Familial aplasia of the vermis. Identifiers: Orphanet 475, MedGen C5979921, MONDO:0018772.

Submission:

Labcorp Genetics (formerly Invitae), Labcorp
Classification: Pathogenic for Joubert syndrome. Last evaluated: 2022-02-01. Review status: criteria provided, single submitter. Criteria: Invitae Variant Classification Sherloc (09022015). Collection method: clinical testing. Allele origin: germline.
Comment: For these reasons, this variant has been classified as Pathogenic. This variant disrupts a region of the INPP5E protein in which other variant(s) (p.Pro597Leu) have been determined to be pathogenic (Invitae). This suggests that this is a clinically significant region of the protein, and that variants that disrupt it are likely to be disease-causing. Algorithms developed to predict the effect of sequence changes on RNA splicing suggest that this variant may create or strengthen a splice site. This variant has not been reported in the literature in individuals affected with INPP5E-related conditions. This variant is not present in population databases (gnomAD no frequency). This sequence change creates a premature translational stop signal (p.Tyr588*) in the INPP5E gene. While this is not anticipated to result in nonsense mediated decay, it is expected to disrupt the last 57 amino acid(s) of the INPP5E protein.